The following is an entry in ClinVar:

ClinVar aggregate classification (germline): Likely benign (1 of 4 stars; one submission).

Allele frequency attached by ClinVar (database versions not stated): 1000 Genomes Project 0.00160; ExAC 0.00163; gnomAD 0.00182; 1000 Genomes Project 30x 0.00187; TOPMed 0.00199; gnomAD exomes 0.00218; ESP Exome Variant Server 0.00235.

Submission:

CeGaT Center for Human Genetics Tuebingen
Classification: Likely benign. Last evaluated: 2023-04-01. Review status: criteria provided, single submitter. Criteria: CeGaT Center For Human Genetics Tuebingen Variant Classification Criteria Version 2. Collection method: clinical testing. Allele origin: germline. Affected: yes. Observed: 3 variant alleles.
Comment: MUC16: BP4, BP7

NM_001401501.2(MUC16):c.19068T>C (p.Tyr6356=)

Gene: MUC16 (mucin 16, cell surface associated; minus strand). Cytogenetic location: 19p13.2.
Variant type: single nucleotide variant.
Coding change: c.19068T>C on transcript NM_001401501.2 (MANE Select); coding-DNA position 19068, T replaced by C.
Protein change: p.Tyr6356=; no amino-acid change (tyrosine 6356 retained).
Molecular consequence: synonymous variant.
Genome position (GRCh38, 1-based): chr19:8,957,822, A>G on the plus strand (T>C on the coding strand, the complement: MUC16 is on the minus strand). VCF-style: chr19-8957822-A-G. GRCh37 (hg19) VCF-style: chr19-9068498-A-G.
Other names: c.19494T>C, p.Tyr6498= (NM_001414686.1); c.18948T>C, p.Tyr6316= (NM_001414687.1, NM_024690.2).
Identifiers: ClinVar variation 2649250 (VCV002649250.24), dbSNP rs113113198, ClinGen allele CA9169596.